The following is an entry in ClinVar:

ClinVar aggregate classification (germline): Uncertain significance. Review status: criteria provided, multiple submitters, no conflicts (2 of 4 stars). 2 submissions from 2 submitters: Uncertain significance (2). Last evaluated 2025-01-19.

Conditions:
Inborn genetic diseases. Identifiers: MedGen C0950123, MeSH D030342.

Allele frequency attached by ClinVar (database versions not stated): ExAC 0.00001; gnomAD exomes 0.00001 and 0.00002; TOPMed 0.00002.
gnomAD v4.1: 24 of 1,613,296 alleles (0.0015%); highest among the groups gnomAD compares: East Asian, 0.0022%; no homozygotes.

Submissions (2):

Ambry Genetics
Classification: Uncertain significance for Inborn genetic diseases. Last evaluated: 2025-01-19. Review status: criteria provided, single submitter. Criteria: Ambry Variant Classification Scheme 2023. Collection method: clinical testing. Allele origin: germline.

Labcorp Genetics (formerly Invitae), Labcorp
Classification: Uncertain significance. Last evaluated: 2021-12-03. Review status: criteria provided, single submitter. Criteria: Invitae Variant Classification Sherloc (09022015). Collection method: clinical testing. Allele origin: germline.
Comment: This variant has not been reported in the literature in individuals affected with SPEG-related conditions. In summary, the available evidence is currently insufficient to determine the role of this variant in disease. Therefore, it has been classified as a Variant of Uncertain Significance. Algorithms developed to predict the effect of sequence changes on RNA splicing suggest that this variant may create or strengthen a splice site. Algorithms developed to predict the effect of missense changes on protein structure and function are either unavailable or do not agree on the potential impact of this missense change (SIFT: "Deleterious"; PolyPhen-2: "Probably Damaging"; Align-GVGD: "Class C0"). This variant is present in population databases (rs753756338, gnomAD 0.003%). This sequence change replaces arginine, which is basic and polar, with cysteine, which is neutral and slightly polar, at codon 1235 of the SPEG protein (p.Arg1235Cys).

NM_005876.5(SPEG):c.3703C>T (p.Arg1235Cys)

Gene: SPEG (striated muscle enriched protein kinase; plus strand). Cytogenetic location: 2q35.
Variant type: single nucleotide variant.
Coding change: c.3703C>T on transcript NM_005876.5 (MANE Select); coding-DNA position 3703, C replaced by T.
Protein change: p.Arg1235Cys; replaces arginine 1235 with cysteine.
Molecular consequence: missense variant.
Genome position (GRCh38, 1-based): chr2:219,469,367, C>T. VCF-style: chr2-219469367-C-T. GRCh37 (hg19) VCF-style: chr2-220334089-C-T.
Other names: c.3703C>T (NM_005876.4); short protein forms R1235C.
Identifiers: ClinVar variation 1512435 (VCV001512435.5), dbSNP rs753756338, ClinGen allele CA2126244.